The following is an entry in ClinVar:

ClinVar aggregate classification (germline): Uncertain significance (1 of 4 stars; one submission).

gnomAD v4.1: 1 of 1,609,726 alleles (0.000062%); highest among the groups gnomAD compares: Non-Finnish European, 0.000085%; no homozygotes.

Submission:

Ambry Genetics
Classification: Uncertain significance. Last evaluated: 2021-08-31. Review status: criteria provided, single submitter. Criteria: Ambry Variant Classification Scheme 2023. Collection method: clinical testing. Allele origin: germline.
Comment: The p.P436A variant (also known as c.1306C>G), located in coding exon 13 of the SLMAP gene, results from a C to G substitution at nucleotide position 1306. The proline at codon 436 is replaced by alanine, an amino acid with highly similar properties. This amino acid position is conserved. In addition, the in silico prediction for this alteration is inconclusive. Since supporting evidence is limited at this time, the clinical significance of this alteration remains unclear.

NM_001377540.1(SLMAP):c.1408C>G (p.Pro470Ala)

Gene: SLMAP (sarcolemma associated protein; plus strand). Cytogenetic location: 3p14.3.
Variant type: single nucleotide variant.
Coding change: c.1408C>G on transcript NM_001377540.1 (MANE Select); coding-DNA position 1408, C replaced by G.
Protein change: p.Pro470Ala; replaces proline 470 with alanine.
Molecular consequence: missense variant. On other transcripts: 5 prime UTR variant (7), non-coding transcript variant (1).
Genome position (GRCh38, 1-based): chr3:57,896,558, C>G. VCF-style: chr3-57896558-C-G. GRCh37 (hg19) VCF-style: chr3-57882285-C-G.
Other names: c.1357C>G, p.Pro453Ala (NM_001304420.3, NM_001377541.1, NM_001377542.1 and 2 more transcripts); c.1243C>G, p.Pro415Ala (NM_001304421.2, NM_001377557.1, NM_001377559.1 and 1 more transcripts); c.-42C>G (NM_001304422.3, NM_001304423.3, NM_001311178.2 and 4 more transcripts); c.1408C>G, p.Pro470Ala (NM_001377538.1, NM_001377539.1, NM_001377555.1); c.1345C>G, p.Pro449Ala (NM_001377545.1, NM_001377922.1); c.1306C>G, p.Pro436Ala (NM_001377549.1, NM_001377923.1, NM_007159.5); c.1294C>G, p.Pro432Ala (NM_001377551.1, NM_001377552.1, NM_001377924.1); short protein forms P436A, P453A, P432A, P415A, P470A, P449A.
Identifiers: ClinVar variation 1769525 (VCV001769525.2), dbSNP rs2474770429, ClinGen allele CA353412069.